The following is an entry in ClinVar:

NM_002473.6(MYH9):c.3968A>G (p.Gln1323Arg)

Gene: MYH9 (myosin heavy chain 9; minus strand). Cytogenetic location: 22q12.3.
Variant type: single nucleotide variant.
Coding change: c.3968A>G on transcript NM_002473.6 (MANE Select); coding-DNA position 3968, A replaced by G.
Protein change: p.Gln1323Arg; replaces glutamine 1323 with arginine.
Molecular consequence: missense variant.
Genome position (GRCh38, 1-based): chr22:36,293,456, T>C on the plus strand (A>G on the coding strand, the complement: MYH9 is on the minus strand). VCF-style: chr22-36293456-T-C. GRCh37 (hg19) VCF-style: chr22-36689502-T-C.
Other names: short protein forms Q1323R.
Identifiers: ClinVar variation 2968109 (VCV002968109.3), dbSNP rs937625252, ClinGen allele CA323591070.

ClinVar aggregate classification (germline): Uncertain significance (1 of 4 stars; one submission).

Allele frequency attached by ClinVar (database versions not stated): gnomAD 0.00001; TOPMed 0.00002.

Submission:

Labcorp Genetics (formerly Invitae), Labcorp
Classification: Uncertain significance. Last evaluated: 2023-06-03. Review status: criteria provided, single submitter. Criteria: Invitae Variant Classification Sherloc (09022015). Collection method: clinical testing. Allele origin: germline.
Comment: In summary, the available evidence is currently insufficient to determine the role of this variant in disease. Therefore, it has been classified as a Variant of Uncertain Significance. Advanced modeling of protein sequence and biophysical properties (such as structural, functional, and spatial information, amino acid conservation, physicochemical variation, residue mobility, and thermodynamic stability) performed at Invitae indicates that this missense variant is not expected to disrupt MYH9 protein function. This variant has not been reported in the literature in individuals affected with MYH9-related conditions. This variant is not present in population databases (gnomAD no frequency). This sequence change replaces glutamine, which is neutral and polar, with arginine, which is basic and polar, at codon 1323 of the MYH9 protein (p.Gln1323Arg).